The following is an entry in ClinVar:

ClinVar aggregate classification (germline): Likely benign. Review status: criteria provided, multiple submitters, no conflicts (2 of 4 stars). 6 submissions from 5 submitters: Likely benign (6). Last evaluated 2025-10-13.

Conditions:
Aortic valve disease 1 (AOVD1). Identifiers: MedGen C3887892, MONDO:0024523, OMIM 109730.
Adams-Oliver syndrome 5 (AOS5). Identifiers: Orphanet 974, MedGen C4014970, MONDO:0014459, OMIM 616028.
Familial thoracic aortic aneurysm and aortic dissection (TAAD). Also called: Thoracic aortic aneurysms and dissections. Identifiers: Orphanet 91387, MedGen C4707243, MONDO:0019625.

Allele frequency attached by ClinVar (database versions not stated): gnomAD 0.00002; gnomAD exomes 0.00003 and 0.00004; TOPMed 0.00003; ExAC 0.00004; ESP Exome Variant Server 0.00008.
gnomAD v4.1: 47 of 1,613,042 alleles (0.0029%); highest among the groups gnomAD compares: Admixed American, 0.013%; no homozygotes.

Submissions (6):

Labcorp Genetics (formerly Invitae), Labcorp
Classification: Likely benign for Adams-Oliver syndrome 5. Last evaluated: 2025-10-13. Review status: criteria provided, single submitter. Criteria: Invitae Variant Classification Sherloc (09022015). Collection method: clinical testing. Allele origin: germline.

CeGaT Center for Human Genetics Tuebingen
Classification: Likely benign. Last evaluated: 2023-08-01. Review status: criteria provided, single submitter. Criteria: CeGaT Center For Human Genetics Tuebingen Variant Classification Criteria Version 2. Collection method: clinical testing. Allele origin: germline. Affected: yes. Observed: 1 variant allele.
Comment: NOTCH1: BP4, BP7

Ambry Genetics
Classification: Likely benign for Familial thoracic aortic aneurysm and aortic dissection. Last evaluated: 2022-12-17. Review status: criteria provided, single submitter. Criteria: Ambry Variant Classification Scheme 2023. Collection method: clinical testing. Allele origin: germline.

Genome-Nilou Lab
Classification: Likely benign for Adams-Oliver syndrome 5. Last evaluated: 2022-03-15. Review status: criteria provided, single submitter. Criteria: ACMG Guidelines, 2015. Collection method: clinical testing. Allele origin: germline. Affected: no.

Genome-Nilou Lab
Classification: Likely benign for Aortic valve disease 1. Last evaluated: 2022-03-15. Review status: criteria provided, single submitter. Criteria: ACMG Guidelines, 2015. Collection method: clinical testing. Allele origin: germline. Affected: no.

GeneDx
Classification: Likely benign. Last evaluated: 2018-04-11. Review status: criteria provided, single submitter. Criteria: GeneDx Variant Classification Process June 2021. Collection method: clinical testing. Allele origin: germline. Affected: yes.

NM_017617.5(NOTCH1):c.6069C>T (p.Ala2023=)

Genes: NOTCH1 (notch receptor 1; minus strand), LOC126860794 (BRD4-independent group 4 enhancer GRCh37_chr9:139392592-139393791; plus strand). Cytogenetic location: 9q34.3.
Variant type: single nucleotide variant.
Coding change: c.6069C>T on transcript NM_017617.5 (MANE Select); coding-DNA position 6069, C replaced by T.
Protein change: p.Ala2023=; no amino-acid change (alanine 2023 retained).
Molecular consequence: synonymous variant.
Genome position (GRCh38, 1-based): chr9:136,499,125, G>A on the plus strand (C>T on the coding strand, the complement: NOTCH1 is on the minus strand). VCF-style: chr9-136499125-G-A. GRCh37 (hg19) VCF-style: chr9-139393577-G-A.
Other names: c.6069C>T, p.Ala2023= (LRG_1122t1).
Identifiers: ClinVar variation 509013 (VCV000509013.38), dbSNP rs375920679, ClinGen allele CA5340048.